The following is an entry in ClinVar:

NM_014324.6(AMACR):c.818A>C (p.Asp273Ala)

Genes: AMACR (alpha-methylacyl-CoA racemase; minus strand), C1QTNF3-AMACR (C1QTNF3-AMACR readthrough (NMD candidate); minus strand). Cytogenetic location: 5p13.2.
Variant type: single nucleotide variant.
Coding change: c.818A>C on transcript NM_014324.6 (MANE Select); coding-DNA position 818, A replaced by C.
Protein change: p.Asp273Ala; replaces aspartic acid 273 with alanine.
Molecular consequence: missense variant. On other transcripts: non-coding transcript variant (1), 3 prime UTR variant (1).
Genome position (GRCh38, 1-based): chr5:33,989,424, T>G on the plus strand (A>C on the coding strand, the complement: AMACR is on the minus strand). VCF-style: chr5-33989424-T-G. GRCh37 (hg19) VCF-style: chr5-33989529-T-G.
Other names: c.818A>C, p.Asp273Ala (NM_001167595.2); c.*60A>C (NM_203382.3); short protein forms D273A.
Identifiers: ClinVar variation 2131214 (VCV002131214.1), dbSNP rs1049451904, ClinGen allele CA359399243.
Genomic context (GRCh38, chr5:33,989,424, plus strand): 5'-CAGGCATCTGTGCCGTCAAAGATTTGACACCACTCTGCCTTCGTCTTCTCTGCAAATACA[T>G]CTGCAAACTTCTTCTTCATTTCTGGCCAATCATCCATGCTCATCTGATTGGGAAGTTCAT-3'
Protein context (NP_055139.4, residues 263-283): DWPEMKKKFA[Asp273Ala]VFAEKTKAEW

ClinVar aggregate classification (germline): Uncertain significance (1 of 4 stars; one submission).

Conditions:
Alpha-methylacyl-CoA racemase deficiency (AMACRD). Also called: AMACR deficiency. Identifiers: Orphanet 79095, MedGen C3280428, MONDO:0013681, OMIM 614307. Disease mechanism: loss of function.

Submission:

Labcorp Genetics (formerly Invitae), Labcorp
Classification: Uncertain significance for Alpha-methylacyl-CoA racemase deficiency. Last evaluated: 2022-05-07. Review status: criteria provided, single submitter. Criteria: Invitae Variant Classification Sherloc (09022015). Collection method: clinical testing. Allele origin: germline.
Comment: This sequence change replaces aspartic acid, which is acidic and polar, with alanine, which is neutral and non-polar, at codon 273 of the AMACR protein (p.Asp273Ala). This variant is not present in population databases (gnomAD no frequency). This variant has not been reported in the literature in individuals affected with AMACR-related conditions. Algorithms developed to predict the effect of missense changes on protein structure and function output the following: SIFT: "Tolerated"; PolyPhen-2: "Benign"; Align-GVGD: "Class C0". The alanine amino acid residue is found in multiple mammalian species, which suggests that this missense change does not adversely affect protein function. In summary, the available evidence is currently insufficient to determine the role of this variant in disease. Therefore, it has been classified as a Variant of Uncertain Significance.